The following is an entry in ClinVar:

NM_003620.4(PPM1D):c.1261-1G>T

Gene: PPM1D (protein phosphatase, Mg2+/Mn2+ dependent 1D; plus strand). Cytogenetic location: 17q23.2.
Variant type: single nucleotide variant.
Coding change: c.1261-1G>T on transcript NM_003620.4 (MANE Select); the canonical splice acceptor site of the intron before coding-DNA position 1261, G replaced by T.
Molecular consequence: splice acceptor variant.
Genome position (GRCh38, 1-based): chr17:60,662,994, G>T. VCF-style: chr17-60662994-G-T. GRCh37 (hg19) VCF-style: chr17-58740355-G-T.
Identifiers: ClinVar variation 3371785 (VCV003371785.1).

ClinVar aggregate classification (germline): Uncertain significance (1 of 4 stars; one submission).

Submission:

GeneDx
Classification: Uncertain significance. Last evaluated: 2024-04-18. Review status: criteria provided, single submitter. Criteria: GeneDx Variant Classification Process June 2021. Collection method: clinical testing. Allele origin: germline. Affected: yes.
Comment: Not observed at significant frequency in large population cohorts (gnomAD); Canonical splice site variant with an unclear effect on protein function; Has not been previously published as pathogenic or benign to our knowledge